The following is an entry in ClinVar:

NM_007186.6(CEP250):c.6106G>A (p.Asp2036Asn)

Gene: CEP250 (centrosomal protein 250; plus strand). Cytogenetic location: 20q11.22.
Variant type: single nucleotide variant.
Coding change: c.6106G>A on transcript NM_007186.6 (MANE Select); coding-DNA position 6106, G replaced by A.
Protein change: p.Asp2036Asn; replaces aspartic acid 2036 with asparagine.
Molecular consequence: missense variant.
Genome position (GRCh38, 1-based): chr20:35,504,475, G>A. VCF-style: chr20-35504475-G-A. GRCh37 (hg19) VCF-style: chr20-34092303-G-A.
Other names: c.6106G>A (NM_007186.5); c.4210G>A, p.Asp1404Asn (NM_001318219.1); short protein forms D1404N, D2036N.
Identifiers: ClinVar variation 1155614 (VCV001155614.11), dbSNP rs555985621, ClinGen allele CA9834003.

ClinVar aggregate classification (germline): Likely benign. Review status: criteria provided, multiple submitters, no conflicts (2 of 4 stars). 3 submissions from 3 submitters: Likely benign (3). Last evaluated 2026-01-05.

Conditions:
CEP250-related disorder. Also called: CEP250-related condition.

Allele frequency attached by ClinVar (database versions not stated): 1000 Genomes Project 0.00100; gnomAD 0.00011 and 0.00016; TOPMed 0.00014; ExAC 0.00023; 1000 Genomes Project 30x 0.00078.
gnomAD v4.1: 115 of 1,613,622 alleles (0.0071%); highest among the groups gnomAD compares: East Asian, 0.24%; 1 homozygote.

Submissions (3):

Labcorp Genetics (formerly Invitae), Labcorp
Classification: Likely benign. Last evaluated: 2026-01-05. Review status: criteria provided, single submitter. Criteria: Invitae Variant Classification Sherloc (09022015). Collection method: clinical testing. Allele origin: germline.

PreventionGenetics, part of Exact Sciences
Classification: Likely benign for CEP250-related condition. Last evaluated: 2025-08-08. Review status: criteria provided, single submitter. Criteria: ACMG Guidelines, 2015. Collection method: clinical testing. Allele origin: germline.
Comment: This variant is classified as likely benign based on ACMG/AMP sequence variant interpretation guidelines (Richards et al. 2015 PMID: 25741868, with internal and published modifications).

Blueprint Genetics
Classification: Likely benign. Last evaluated: 2023-07-07. Review status: criteria provided, single submitter. Criteria: ACMG Guidelines, 2015. Collection method: clinical testing. Allele origin: germline.